The following is an entry in ClinVar:

NM_006929.5(SKIC2):c.260C>T (p.Pro87Leu)

Gene: SKIC2 (SKI2 subunit of superkiller complex; plus strand). Cytogenetic location: 6p21.33.
Variant type: single nucleotide variant.
Coding change: c.260C>T on transcript NM_006929.5 (MANE Select); coding-DNA position 260, C replaced by T.
Protein change: p.Pro87Leu; replaces proline 87 with leucine.
Molecular consequence: missense variant.
Genome position (GRCh38, 1-based): chr6:31,960,243, C>T. VCF-style: chr6-31960243-C-T. GRCh37 (hg19) VCF-style: chr6-31928020-C-T.
Other names: c.260C>T (NM_006929.4); short protein forms P87L.
Identifiers: ClinVar variation 1396694 (VCV001396694.5), dbSNP rs763890666, ClinGen allele CA136905646.

ClinVar aggregate classification (germline): Uncertain significance. Review status: criteria provided, multiple submitters, no conflicts (2 of 4 stars). 2 submissions from 2 submitters: Uncertain significance (2). Last evaluated 2025-02-01.

Conditions:
Inborn genetic diseases. Identifiers: MedGen C0950123, MeSH D030342.

Allele frequency attached by ClinVar (database versions not stated): gnomAD exomes below 0.00001 and 0.00003; gnomAD 0.00001 and 0.00002; TOPMed 0.00002.
gnomAD v4.1: 56 of 1,612,966 alleles (0.0035%); highest among the groups gnomAD compares: Non-Finnish European, 0.0044%; no homozygotes.

Submissions (2):

Ambry Genetics
Classification: Uncertain significance for Inborn genetic diseases. Last evaluated: 2025-02-01. Review status: criteria provided, single submitter. Criteria: Ambry Variant Classification Scheme 2023. Collection method: clinical testing. Allele origin: germline.

Labcorp Genetics (formerly Invitae), Labcorp
Classification: Uncertain significance. Last evaluated: 2024-08-21. Review status: criteria provided, single submitter. Criteria: Invitae Variant Classification Sherloc (09022015). Collection method: clinical testing. Allele origin: germline.
Comment: This sequence change replaces proline, which is neutral and non-polar, with leucine, which is neutral and non-polar, at codon 87 of the SKIV2L protein (p.Pro87Leu). This variant is present in population databases (rs763890666, gnomAD 0.0009%). This variant has not been reported in the literature in individuals affected with SKIV2L-related conditions. ClinVar contains an entry for this variant (Variation ID: 1396694). An algorithm developed to predict the effect of missense changes on protein structure and function (PolyPhen-2) suggests that this variant¬†is likely to be tolerated. In summary, the available evidence is currently insufficient to determine the role of this variant in disease. Therefore, it has been classified as a Variant of Uncertain Significance.